The following is an entry in ClinVar:

NM_004168.4(SDHA):c.546G>A (p.Lys182=)

Gene: SDHA (succinate dehydrogenase complex flavoprotein subunit A; plus strand). Cytogenetic location: 5p15.33.
Variant type: single nucleotide variant.
Coding change: c.546G>A on transcript NM_004168.4 (MANE Select); coding-DNA position 546, G replaced by A.
Protein change: p.Lys182=; no amino-acid change (lysine 182 retained).
Molecular consequence: synonymous variant.
Genome position (GRCh38, 1-based): chr5:225,972, G>A. VCF-style: chr5-225972-G-A. GRCh37 (hg19) VCF-style: chr5-226087-G-A.
Other names: c.402G>A, p.Lys134= (NM_001294332.2); c.546G>A, p.Lys182= (NM_001330758.2).
Identifiers: ClinVar variation 539708 (VCV000539708.16), dbSNP rs757707693, ClinGen allele CA3172873.

ClinVar aggregate classification (germline): Benign/Likely benign. Review status: criteria provided, multiple submitters, no conflicts (2 of 4 stars). 4 submissions from 4 submitters: Benign (1); Likely benign (3). Last evaluated 2025-02-28.

Conditions:
Pheochromocytoma/paraganglioma syndrome 5. Also called: Paragangliomas 5; SDHA-Related Hereditary Paraganglioma-Pheochromocytoma Syndrome. Identifiers: Orphanet 29072, MedGen C3279992, MONDO:0013602, OMIM 614165.
Mitochondrial complex II deficiency, nuclear type 1. Also called: SUCCINATE CoQ REDUCTASE DEFICIENCY. Identifiers: Orphanet 3208, MedGen C5700310, MONDO:0100294, OMIM 252011.
Hereditary cancer-predisposing syndrome. Also called: Neoplastic Syndromes, Hereditary; Tumor predisposition; Hereditary Cancer Syndrome; Hereditary neoplastic syndrome. Identifiers: Orphanet 140162, MedGen C0027672, MeSH D009386, MONDO:0015356.

Allele frequency attached by ClinVar (database versions not stated): gnomAD exomes below 0.00001 and 0.00001; ExAC 0.00001.
gnomAD v4.1: 5 of 1,614,166 alleles (0.00031%); highest among the groups gnomAD compares: South Asian, 0.0033%; no homozygotes.

Submissions (4):

Myriad Genetics, Inc.
Classification: Benign for Pheochromocytoma/paraganglioma syndrome 5. Last evaluated: 2025-02-28. Review status: criteria provided, single submitter. Criteria: Myriad Autosomal Dominant, Autosomal Recessive and X-Linked Classification Criteria (2023). Collection method: clinical testing. Allele origin: unknown.
Comment: This variant is considered benign. This variant is a silent/synonymous amino acid change and it is not expected to impact splicing.

Labcorp Genetics (formerly Invitae), Labcorp
Classification: Likely benign for Pheochromocytoma/paraganglioma syndrome 5; Mitochondrial complex II deficiency, nuclear type 1. Last evaluated: 2024-12-30. Review status: criteria provided, single submitter. Criteria: Invitae Variant Classification Sherloc (09022015). Collection method: clinical testing. Allele origin: germline.

Blueprint Genetics
Classification: Likely benign. Last evaluated: 2024-06-17. Review status: criteria provided, single submitter. Criteria: ACMG Guidelines, 2015. Collection method: clinical testing. Allele origin: germline.

Ambry Genetics
Classification: Likely benign for Hereditary cancer-predisposing syndrome. Last evaluated: 2021-04-14. Review status: criteria provided, single submitter. Criteria: Ambry Variant Classification Scheme 2023. Collection method: clinical testing. Allele origin: germline.